The following is an entry in ClinVar:

ClinVar aggregate classification (germline): Likely benign. Review status: criteria provided, multiple submitters, no conflicts (2 of 4 stars). 2 submissions from 2 submitters: Likely benign (2). Last evaluated 2026-03-30.

Conditions:
ABCG8-related disorder. Also called: ABCG8-related condition.

gnomAD v4.1: 1 of 1,614,184 alleles (0.000062%); highest among the groups gnomAD compares: Non-Finnish European, 0.000085%; no homozygotes.

Submissions (2):

PreventionGenetics, part of Exact Sciences
Classification: Likely benign for ABCG8-related condition. Last evaluated: 2026-03-30. Review status: criteria provided, single submitter. Criteria: ACMG Guidelines, 2015. Collection method: clinical testing. Allele origin: germline.
Comment: This variant is classified as likely benign based on ACMG/AMP sequence variant interpretation guidelines (Richards et al. 2015 PMID: 25741868, with internal and published modifications).

Labcorp Genetics (formerly Invitae), Labcorp
Classification: Likely benign. Last evaluated: 2025-01-08. Review status: criteria provided, single submitter. Criteria: Invitae Variant Classification Sherloc (09022015). Collection method: clinical testing. Allele origin: germline.

NM_022437.3(ABCG8):c.786C>T (p.Asn262=)

Gene: ABCG8 (ATP binding cassette subfamily G member 8; plus strand). Cytogenetic location: 2p21.
Variant type: single nucleotide variant.
Coding change: c.786C>T on transcript NM_022437.3 (MANE Select); coding-DNA position 786, C replaced by T.
Protein change: p.Asn262=; no amino-acid change (asparagine 262 retained).
Molecular consequence: synonymous variant.
Genome position (GRCh38, 1-based): chr2:43,852,690, C>T. VCF-style: chr2-43852690-C-T. GRCh37 (hg19) VCF-style: chr2-44079829-C-T.
Other names: c.786C>T (NM_022437.2); c.786C>T, p.Asn262= (NM_001357321.2).
Identifiers: ClinVar variation 3695588 (VCV003695588.3).
Genomic context (GRCh38, chr2:43,852,690, plus strand): 5'-GCTCGACAGCTTCACAGCCCACAACCTGGTGAAGACCTTGTCCAGGCTGGCCAAAGGCAA[C>T]CGGCTGGTGCTCATCTCCCTCCACCAGCCTCGCTCTGACATCTTCAGGCTGTTTGATCTG-3'
Protein context (NP_071882.1, residues 252-272): VKTLSRLAKG[Asn262=]RLVLISLHQP